The following is an entry in ClinVar:

ClinVar aggregate classification (germline): Pathogenic/Likely pathogenic. Review status: criteria provided, multiple submitters, no conflicts (2 of 4 stars). 3 submissions from 3 submitters: Pathogenic (1); Likely pathogenic (2). Last evaluated 2026-02-26.

Conditions:
Fanconi anemia complementation group E (FANCE). Also called: FANCE-Related Fanconi Anemia. Identifiers: Orphanet 84, MedGen C3160739, MONDO:0010953, OMIM 600901.

Submissions (3):

GeneDx
Classification: Likely pathogenic. Last evaluated: 2026-02-26. Review status: criteria provided, single submitter. Criteria: GeneDx Variant Classification Process June 2021. Collection method: clinical testing. Allele origin: germline.
Comment: Frameshift variant predicted to result in protein truncation or nonsense mediated decay in a gene for which loss of function is a known mechanism of disease; Not observed at significant frequency in large population cohorts (gnomAD); Reported among a cohort of individuals with pancreatic ductal adenocarcinoma (PMID: 38350919); This variant is associated with the following publications: (PMID: 38350919)

Labcorp Genetics (formerly Invitae), Labcorp
Classification: Pathogenic for Fanconi anemia complementation group E. Last evaluated: 2023-10-13. Review status: criteria provided, single submitter. Criteria: Invitae Variant Classification Sherloc (09022015). Collection method: clinical testing. Allele origin: germline.
Comment: This sequence change creates a premature translational stop signal (p.Ala40Argfs*44) in the FANCE gene. It is expected to result in an absent or disrupted protein product. Loss-of-function variants in FANCE are known to be pathogenic (PMID: 11001585, 17924555). This variant is not present in population databases (gnomAD no frequency). This variant has not been reported in the literature in individuals affected with FANCE-related conditions. For these reasons, this variant has been classified as Pathogenic.

Baylor Genetics
Classification: Likely pathogenic for Fanconi anemia complementation group E. Last evaluated: 2023-03-20. Review status: criteria provided, single submitter. Criteria: ACMG Guidelines, 2015. Collection method: clinical testing. Allele origin: unknown.

Literature cited by the submitters: PubMed 11001585 (cited by Labcorp Genetics (formerly Invitae), Labcorp); PubMed 17924555 (cited by Labcorp Genetics (formerly Invitae), Labcorp).

NM_021922.3(FANCE):c.118del (p.Ala40fs)

Genes: FANCE (FA complementation group E; plus strand), LOC129996245 (ATAC-STARR-seq lymphoblastoid silent region 17092; plus strand). Cytogenetic location: 6p21.31.
Variant type: Deletion.
Coding change: c.118del on transcript NM_021922.3 (MANE Select); coding-DNA position 118, one base deleted (G; older notation c.118delG).
Protein change: p.Ala40fs; shifts the reading frame from alanine 40.
Molecular consequence: frameshift variant.
Genome position (GRCh38, 1-based): chr6:35,452,663, G deleted; the last of 5 consecutive G bases (chr6:35,452,659-35,452,663); deleting any one gives the same sequence. VCF-style (leftmost placement, unchanged base first): chr6-35452658-AG-A. GRCh37 (hg19) VCF-style: chr6-35420435-AG-A.
Other names: c.118del (NM_021922.2); c.118del, p.Ala40fs (NM_001410876.1); short protein forms A40fs.
Identifiers: ClinVar variation 2675542 (VCV002675542.5), dbSNP rs2533646556, ClinGen allele CA913110451.